The following is an entry in ClinVar:

NM_015909.4(NBAS):c.3367A>T (p.Thr1123Ser)

Gene: NBAS (NBAS subunit of NRZ tethering complex; minus strand). Cytogenetic location: 2p24.3.
Variant type: single nucleotide variant.
Coding change: c.3367A>T on transcript NM_015909.4 (MANE Select); coding-DNA position 3367, A replaced by T.
Protein change: p.Thr1123Ser; replaces threonine 1123 with serine.
Molecular consequence: missense variant. On other transcripts: non-coding transcript variant (1).
Genome position (GRCh38, 1-based): chr2:15,379,825, T>A on the plus strand (A>T on the coding strand, the complement: NBAS is on the minus strand). VCF-style: chr2-15379825-T-A. GRCh37 (hg19) VCF-style: chr2-15519949-T-A.
Other names: short protein forms T1123S.
Identifiers: ClinVar variation 1370987 (VCV001370987.8), dbSNP rs1359745855, ClinGen allele CA345897607.

ClinVar aggregate classification (germline): Uncertain significance (1 of 4 stars; one submission).

Submission:

Labcorp Genetics (formerly Invitae), Labcorp
Classification: Uncertain significance. Last evaluated: 2021-02-10. Review status: criteria provided, single submitter. Criteria: Invitae Variant Classification Sherloc (09022015). Collection method: clinical testing. Allele origin: germline.
Comment: In summary, the available evidence is currently insufficient to determine the role of this variant in disease. Therefore, it has been classified as a Variant of Uncertain Significance. Algorithms developed to predict the effect of missense changes on protein structure and function are either unavailable or do not agree on the potential impact of this missense change (SIFT: "Deleterious"; PolyPhen-2: "Benign"; Align-GVGD: "Class C55"). This variant has not been reported in the literature in individuals with NBAS-related conditions. This variant is not present in population databases (ExAC no frequency). This sequence change replaces threonine with serine at codon 1123 of the NBAS protein (p.Thr1123Ser). The threonine residue is highly conserved and there is a small physicochemical difference between threonine and serine.